The following is an entry in ClinVar:

ClinVar aggregate classification (germline): Uncertain significance (1 of 4 stars; one submission).

Conditions:
Joubert syndrome. Also called: JOUBERT-BOLTSHAUSER SYNDROME; Familial aplasia of the vermis. Identifiers: Orphanet 475, MedGen C5979921, MONDO:0018772.
Meckel-Gruber syndrome. Also called: DYSENCEPHALIA SPLANCHNOCYSTICA; GRUBER SYNDROME; Dysencephalia splachnocystica. Identifiers: Orphanet 564, MedGen C0265215, MONDO:0018921.

gnomAD v4.1: 2 of 1,613,436 alleles (0.00012%); no homozygotes.

Submission:

Labcorp Genetics (formerly Invitae), Labcorp
Classification: Uncertain significance for Joubert syndrome; Meckel-Gruber syndrome. Last evaluated: 2023-07-07. Review status: criteria provided, single submitter. Criteria: Invitae Variant Classification Sherloc (09022015). Collection method: clinical testing. Allele origin: germline.
Comment: This sequence change replaces serine, which is neutral and polar, with glycine, which is neutral and non-polar, at codon 918 of the CC2D2A protein (p.Ser918Gly). This variant is not present in population databases (gnomAD no frequency). This variant has not been reported in the literature in individuals affected with CC2D2A-related conditions. ClinVar contains an entry for this variant (Variation ID: 1460878). Advanced modeling of protein sequence and biophysical properties (such as structural, functional, and spatial information, amino acid conservation, physicochemical variation, residue mobility, and thermodynamic stability) performed at Invitae indicates that this missense variant is not expected to disrupt CC2D2A protein function. In summary, the available evidence is currently insufficient to determine the role of this variant in disease. Therefore, it has been classified as a Variant of Uncertain Significance.

NM_001378615.1(CC2D2A):c.2752A>G (p.Ser918Gly)

Genes: CC2D2A (coiled-coil and C2 domain containing 2A; plus strand), FBXL5 (F-box and leucine rich repeat protein 5; minus strand). Cytogenetic location: 4p15.32.
Variant type: single nucleotide variant.
Coding change: c.2752A>G on transcript NM_001378615.1 (MANE Select); coding-DNA position 2752, A replaced by G.
Protein change: p.Ser918Gly; replaces serine 918 with glycine.
Molecular consequence: missense variant.
Genome position (GRCh38, 1-based): chr4:15,557,430, A>G. VCF-style: chr4-15557430-A-G. GRCh37 (hg19) VCF-style: chr4-15559053-A-G.
Other names: c.2752A>G, p.Ser918Gly (NM_001080522.2); c.2605A>G, p.Ser869Gly (NM_001378617.1); short protein forms S918G, S869G.
Identifiers: ClinVar variation 1460878 (VCV001460878.8), dbSNP rs2109058193, ClinGen allele CA356412375.